The following is an entry in ClinVar:

NM_001130009.3(GEN1):c.2135G>T (p.Gly712Val)

Gene: GEN1 (GEN1 Holliday junction 5' flap endonuclease; plus strand). Cytogenetic location: 2p24.2.
Variant type: single nucleotide variant.
Coding change: c.2135G>T on transcript NM_001130009.3 (MANE Select); coding-DNA position 2135, G replaced by T.
Protein change: p.Gly712Val; replaces glycine 712 with valine.
Molecular consequence: missense variant.
Genome position (GRCh38, 1-based): chr2:17,781,347, G>T. VCF-style: chr2-17781347-G-T. GRCh37 (hg19) VCF-style: chr2-17962614-G-T.
Other names: c.2135G>T, p.Gly712Val (NM_182625.5); short protein forms G712V.
Identifiers: ClinVar variation 4029243 (VCV004029243.1).

ClinVar aggregate classification (germline): Uncertain significance (1 of 4 stars; one submission).

Submission:

Ambry Genetics
Classification: Uncertain significance. Last evaluated: 2025-04-18. Review status: criteria provided, single submitter. Criteria: Ambry Variant Classification Scheme 2023. Collection method: clinical testing. Allele origin: germline.
Comment: The p.G712V variant (also known as c.2135G>T), located in coding exon 13 of the GEN1 gene, results from a G to T substitution at nucleotide position 2135. The glycine at codon 712 is replaced by valine, an amino acid with dissimilar properties. This amino acid position is conserved. In addition, this alteration is predicted to be tolerated by in silico analysis. Based on the available evidence, the clinical significance of this variant remains unclear.